The following is an entry in ClinVar:

NM_000264.5(PTCH1):c.3488G>T (p.Gly1163Val)

Gene: PTCH1 (patched 1; minus strand). Cytogenetic location: 9q22.32.
Variant type: single nucleotide variant.
Coding change: c.3488G>T on transcript NM_000264.5 (MANE Select); coding-DNA position 3488, G replaced by T.
Protein change: p.Gly1163Val; replaces glycine 1163 with valine.
Molecular consequence: missense variant. On other transcripts: non-coding transcript variant (1).
Genome position (GRCh38, 1-based): chr9:95,449,902, C>A on the plus strand (G>T on the coding strand, the complement: PTCH1 is on the minus strand). VCF-style: chr9-95449902-C-A. GRCh37 (hg19) VCF-style: chr9-98212184-C-A.
Other names: c.3290G>T, p.Gly1097Val (NM_001083602.3); c.3485G>T, p.Gly1162Val (NM_001083603.3); c.3035G>T, p.Gly1012Val (NM_001083604.3, NM_001083605.3, NM_001083606.3 and 1 more transcripts); c.3332G>T, p.Gly1111Val (NM_001354918.2); short protein forms G1097V, G1163V, G1012V, G1162V, G1111V.
Identifiers: ClinVar variation 219498 (VCV000219498.11), dbSNP rs864622120, ClinGen allele CA350612.
Genomic context (GRCh38, chr9:95,449,902, plus strand): 5'-TCAGGATATGGTCCAAAGAAAGACAAAAGCACGGGAAGCAAAACCAGCCCATTGAGAACG[C>A]CGAGGATGGTGAGGATCGCCAGCACAGCAAAGAAATACCTGGGAGATCAAGAGGAAACGG-3'
Protein context (NP_000255.2, residues 1153-1173): FAVLAILTIL[Gly1163Val]VLNGLVLLPV

ClinVar aggregate classification (germline): Pathogenic/Likely pathogenic. Review status: criteria provided, multiple submitters, no conflicts (2 of 4 stars). 2 submissions from 2 submitters: Pathogenic (1); Likely pathogenic (1). Last evaluated 2026-08-05.

Conditions:
Hereditary cancer-predisposing syndrome. Also called: Tumor predisposition; Neoplastic Syndromes, Hereditary; Hereditary Cancer Syndrome; Hereditary neoplastic syndrome. Identifiers: Orphanet 140162, MedGen C0027672, MeSH D009386, MONDO:0015356.
Gorlin syndrome. Also called: Basal cell nevus syndrome; Nevoid Basal Cell Carcinoma Syndrome. Identifiers: Orphanet 377, MedGen C0004779, MONDO:0007187.

Submissions (2):

Ambry Genetics
Classification: Pathogenic for Hereditary cancer-predisposing syndrome. Last evaluated: 2026-08-05. Review status: criteria provided, single submitter. Criteria: Ambry Variant Classification Scheme 2023. Collection method: clinical testing. Allele origin: germline.
Comment: The p.G1163V variant (also known as c.3488G>T), located in coding exon 21 of the PTCH1 gene, results from a G to T substitution at nucleotide position 3488. The glycine at codon 1163 is replaced by valine, an amino acid with dissimilar properties. This variant was reported in individuals with features consistent with PTCH1-related nevoid basal cell carcinoma syndrome (Ambry internal data, external communication). This amino acid position is highly conserved in available vertebrate species. In addition, this alteration is predicted to be deleterious by in silico analysis. This variant is considered to be rare based on population cohorts in the Genome Aggregation Database (gnomAD). Based on the supporting evidence, this variant is interpreted as a disease-causing mutation.

Labcorp Genetics (formerly Invitae), Labcorp
Classification: Likely pathogenic for Gorlin syndrome. Last evaluated: 2025-10-03. Review status: criteria provided, single submitter. Criteria: Invitae Variant Classification Sherloc (09022015). Collection method: clinical testing. Allele origin: germline.
Comment: This sequence change replaces glycine, which is neutral and non-polar, with valine, which is neutral and non-polar, at codon 1163 of the PTCH1 protein (p.Gly1163Val). This variant is not present in population databases (gnomAD no frequency). This missense change has been observed in individuals with basal cell nevus syndrome (internal data). ClinVar contains an entry for this variant (Variation ID: 219498). Invitae Evidence Modeling of protein sequence and biophysical properties (such as structural, functional, and spatial information, amino acid conservation, physicochemical variation, residue mobility, and thermodynamic stability) indicates that this missense variant is expected to disrupt PTCH1 protein function with a positive predictive value of 80%. This variant disrupts the p.Gly1163 amino acid residue in PTCH1. Other variant(s) that disrupt this residue have been observed in individuals with PTCH1-related conditions (internal data), which suggests that this may be a clinically significant amino acid residue. In summary, the currently available evidence indicates that the variant is pathogenic, but additional data are needed to prove that conclusively. Therefore, this variant has been classified as Likely Pathogenic.